The following is an entry in ClinVar:

NM_016169.4(SUFU):c.1046G>C (p.Ser349Thr)

Gene: SUFU (SUFU negative regulator of hedgehog signaling; plus strand). Cytogenetic location: 10q24.32.
Variant type: single nucleotide variant.
Coding change: c.1046G>C on transcript NM_016169.4 (MANE Select); coding-DNA position 1046, G replaced by C.
Protein change: p.Ser349Thr; replaces serine 349 with threonine.
Molecular consequence: missense variant.
Genome position (GRCh38, 1-based): chr10:102,615,291, G>C. VCF-style: chr10-102615291-G-C. GRCh37 (hg19) VCF-style: chr10-104375048-G-C.
Other names: c.1046G>C (NM_016169.3); c.1046G>C, p.Ser349Thr (NM_001178133.2); short protein forms S349T.
Identifiers: ClinVar variation 1356862 (VCV001356862.9), dbSNP rs1419645738, ClinGen allele CA377913718.

ClinVar aggregate classification (germline): Uncertain significance. Review status: criteria provided, multiple submitters, no conflicts (2 of 4 stars). 2 submissions from 2 submitters: Uncertain significance (2). Last evaluated 2022-12-23.

Conditions:
Medulloblastoma (MDB). Also called: MEDULLOBLASTOMA PREDISPOSITION SYNDROME; Medulloblastoma, somatic. Identifiers: Orphanet 616, MedGen C0025149, MeSH D008527, MONDO:0007959, OMIM 155255, HP:0002885.
Gorlin syndrome. Also called: Basal cell nevus syndrome; Nevoid Basal Cell Carcinoma Syndrome. Identifiers: Orphanet 377, MedGen C0004779, MONDO:0007187.
Hereditary cancer-predisposing syndrome. Also called: Hereditary Cancer Syndrome; Hereditary neoplastic syndrome; Tumor predisposition; Neoplastic Syndromes, Hereditary. Identifiers: Orphanet 140162, MedGen C0027672, MeSH D009386, MONDO:0015356.

Submissions (2):

Ambry Genetics
Classification: Uncertain significance for Hereditary cancer-predisposing syndrome. Last evaluated: 2022-12-23. Review status: criteria provided, single submitter. Criteria: Ambry Variant Classification Scheme 2023. Collection method: clinical testing. Allele origin: germline.
Comment: The p.S349T variant (also known as c.1046G>C), located in coding exon 9 of the SUFU gene, results from a G to C substitution at nucleotide position 1046. The serine at codon 349 is replaced by threonine, an amino acid with similar properties. This amino acid position is conserved. In addition, this alteration is predicted to be tolerated by in silico analysis. Since supporting evidence is limited at this time, the clinical significance of this alteration remains unclear.

Labcorp Genetics (formerly Invitae), Labcorp
Classification: Uncertain significance for Gorlin syndrome; Medulloblastoma. Last evaluated: 2020-12-17. Review status: criteria provided, single submitter. Criteria: Invitae Variant Classification Sherloc (09022015). Collection method: clinical testing. Allele origin: germline.
Comment: Algorithms developed to predict the effect of missense changes on protein structure and function are either unavailable or do not agree on the potential impact of this missense change (SIFT: "Deleterious"; PolyPhen-2: "Probably Damaging"; Align-GVGD: "Class C0"). In summary, the available evidence is currently insufficient to determine the role of this variant in disease. Therefore, it has been classified as a Variant of Uncertain Significance. This variant has not been reported in the literature in individuals with SUFU-related conditions. This variant is not present in population databases (ExAC no frequency). This sequence change replaces serine with threonine at codon 349 of the SUFU protein (p.Ser349Thr). The serine residue is highly conserved and there is a small physicochemical difference between serine and threonine.